The following is an entry in ClinVar:

ClinVar aggregate classification (germline): Uncertain significance. Review status: criteria provided, multiple submitters, no conflicts (2 of 4 stars). 2 submissions from 2 submitters: Uncertain significance (2). Last evaluated 2024-08-13.

Conditions:
Progressive sclerosing poliodystrophy (MTDPS4A). Also called: NEURONAL DEGENERATION OF CHILDHOOD WITH LIVER DISEASE, PROGRESSIVE; Alpers-Huttenlocher Syndrome (AHS); ALPERS PROGRESSIVE INFANTILE POLIODYSTROPHY; Mitochondrial DNA Depletion Syndrome 4A; Alpers Syndrome; ALPERS DIFFUSE DEGENERATION OF CEREBRAL GRAY MATTER WITH HEPATIC CIRRHOSIS. Identifiers: Orphanet 726, MedGen C0205710, MONDO:0008758, OMIM 203700.
Mitochondrial DNA depletion syndrome 1. Also called: POLIP SYNDROME; POLYNEUROPATHY, OPHTHALMOPLEGIA, LEUKOENCEPHALOPATHY, AND INTESTINAL PSEUDOOBSTRUCTION; Mitochondrial neurogastrointestinal encephalomyopathy syndrome; Mitochondrial DNA depletion syndrome 1 (MNGIE type); Mitochondrial Neurogastrointestinal Encephalopathy Disease; MITOCHONDRIAL NEUROGASTROINTESTINAL ENCEPHALOPATHY SYNDROME, TYMP-RELATED. Identifiers: Orphanet 298, MedGen C4551995, MONDO:0011283, OMIM 603041.
Progressive external ophthalmoplegia with mitochondrial DNA deletions, autosomal recessive 1 (PEOB1). Also called: Progressive external ophthalmoplegia, autosomal recessive 1; Autosomal Recessive Progressive External Ophthalmoplegia (arPEO). Identifiers: Orphanet 254886, MedGen C4225153, MONDO:0009783, OMIM 258450.
Progressive external ophthalmoplegia with mitochondrial DNA deletions, autosomal dominant 1 (PEOA1). Also called: Autosomal Dominant Progressive External Ophthalmoplegia (adPEO); PROGRESSIVE EXTERNAL OPHTHALMOPLEGIA, AUTOSOMAL DOMINANT 1. Identifiers: MedGen C1834846, MONDO:0024528, OMIM 157640.
Sensory ataxic neuropathy, dysarthria, and ophthalmoparesis (SANDO). Also called: Epilepsy, progressive myoclonic, type 5; Ataxia Neuropathy Spectrum (ANS); SENSORY ATAXIC NEUROPATHY WITH MITOCHONDRIAL DNA DELETIONS, AUTOSOMAL RECESSIVE; Sensory ataxic neuropathy-dysarthria-ophthalmoparesis syndrome. Identifiers: Orphanet 70595, MedGen C1843851, MONDO:0011835, OMIM 607459.
Mitochondrial DNA depletion syndrome 4b. Also called: Mitochondrial Neurogastrointestinal Encephalopathy Disease, POLG-Related; MNGIE, POLG-RELATED. Identifiers: Orphanet 298, MedGen C3150914, MONDO:0013350, OMIM 613662.

Allele frequency attached by ClinVar (database versions not stated): gnomAD exomes below 0.00001; gnomAD 0.00001.
gnomAD v4.1: 3 of 1,611,234 alleles (0.00019%); highest among the groups gnomAD compares: Admixed American, 0.005%; no homozygotes.

Submissions (2):

Labcorp Genetics (formerly Invitae), Labcorp
Classification: Uncertain significance for Progressive sclerosing poliodystrophy. Last evaluated: 2024-08-13. Review status: criteria provided, single submitter. Criteria: Invitae Variant Classification Sherloc (09022015). Collection method: clinical testing. Allele origin: germline.
Comment: This sequence change replaces glycine, which is neutral and non-polar, with alanine, which is neutral and non-polar, at codon 67 of the POLG protein (p.Gly67Ala). This variant is present in population databases (no rsID available, gnomAD 0.003%). This variant has not been reported in the literature in individuals affected with POLG-related conditions. ClinVar contains an entry for this variant (Variation ID: 1061081). Advanced modeling of protein sequence and biophysical properties (such as structural, functional, and spatial information, amino acid conservation, physicochemical variation, residue mobility, and thermodynamic stability) performed at Invitae indicates that this missense variant is not expected to disrupt POLG protein function with a negative predictive value of 95%. In summary, the available evidence is currently insufficient to determine the role of this variant in disease. Therefore, it has been classified as a Variant of Uncertain Significance.

Fulgent Genetics
Classification: Uncertain significance for Progressive external ophthalmoplegia with mitochondrial DNA deletions, autosomal dominant 1; Progressive sclerosing poliodystrophy; Progressive external ophthalmoplegia with mitochondrial DNA deletions, autosomal recessive 1; Mitochondrial DNA depletion syndrome 1; Sensory ataxic neuropathy, dysarthria, and ophthalmoparesis; Mitochondrial DNA depletion syndrome 4b. Last evaluated: 2022-01-24. Review status: criteria provided, single submitter. Criteria: ACMG Guidelines, 2015. Collection method: clinical testing. Allele origin: unknown.

NM_002693.3(POLG):c.200G>C (p.Gly67Ala)

Genes: POLG (DNA polymerase gamma, catalytic subunit; minus strand), POLGARF (POLG alternative reading frame; minus strand). Cytogenetic location: 15q26.1.
Variant type: single nucleotide variant.
Coding change: c.200G>C on transcript NM_002693.3 (MANE Select); coding-DNA position 200, G replaced by C.
Protein change: p.Gly67Ala; replaces glycine 67 with alanine.
Molecular consequence: missense variant.
Genome position (GRCh38, 1-based): chr15:89,333,555, C>G on the plus strand (G>C on the coding strand, the complement: POLG is on the minus strand). VCF-style: chr15-89333555-C-G. GRCh37 (hg19) VCF-style: chr15-89876786-C-G.
Other names: c.200G>C, p.Gly67Ala (NM_001126131.2); short protein forms G67A.
Identifiers: ClinVar variation 1061081 (VCV001061081.10), dbSNP rs1399456619, ClinGen allele CA393773680.